The following is an entry in ClinVar:

NM_207341.4(ZP1):c.1344C>T (p.Pro448=)

Gene: ZP1 (zona pellucida glycoprotein 1; plus strand). Cytogenetic location: 11q12.2.
Variant type: single nucleotide variant.
Coding change: c.1344C>T on transcript NM_207341.4 (MANE Select); coding-DNA position 1344, C replaced by T.
Protein change: p.Pro448=; no amino-acid change (proline 448 retained).
Molecular consequence: synonymous variant.
Genome position (GRCh38, 1-based): chr11:60,873,478, C>T. VCF-style: chr11-60873478-C-T. GRCh37 (hg19) VCF-style: chr11-60640951-C-T.
Other names: c.465C>T, p.Pro155= (NM_001391943.1); c.150C>T, p.Pro50= (NM_001391944.1).
Identifiers: ClinVar variation 3058507 (VCV003058507.2), dbSNP rs143715728, ClinGen allele CA6027577.

ClinVar aggregate classification (germline): Likely benign (0 of 4 stars; one submission).

Conditions:
ZP1-related disorder. Also called: ZP1-related condition.

Allele frequency attached by ClinVar (database versions not stated): gnomAD exomes below 0.00001; ExAC 0.00002; TOPMed 0.00007; gnomAD 0.00009; ESP Exome Variant Server 0.00023.
gnomAD v4.1: 15 of 1,613,628 alleles (0.00093%); highest among the groups gnomAD compares: African/African-American, 0.02%; no homozygotes.

Submission:

PreventionGenetics, part of Exact Sciences
Classification: Likely benign for ZP1-related condition. Last evaluated: 2019-03-22. Review status: no assertion criteria provided. Collection method: clinical testing. Allele origin: germline.
Comment: This variant is classified as likely benign based on ACMG/AMP sequence variant interpretation guidelines (Richards et al. 2015 PMID: 25741868, with internal and published modifications).